The following is an entry in ClinVar:

ClinVar aggregate classification (germline): Pathogenic/Likely pathogenic. Review status: criteria provided, multiple submitters, no conflicts (2 of 4 stars). 3 submissions from 3 submitters: Pathogenic (1); Likely pathogenic (2). Last evaluated 2025-01-01.

Conditions:
Spastic paraplegia. Identifiers: MedGen C0037772, HP:0001258.

Allele frequency attached by ClinVar (database versions not stated): gnomAD exomes below 0.00001 and 0.00001; ExAC 0.00001; TOPMed 0.00001; gnomAD 0.00002 and 0.00003; ESP Exome Variant Server 0.00008.
gnomAD v4.1: 12 of 1,612,212 alleles (0.00074%); highest among the groups gnomAD compares: Non-Finnish European, 0.00051%; no homozygotes.

Submissions (3):

CeGaT Center for Human Genetics Tuebingen
Classification: Pathogenic. Last evaluated: 2025-01-01. Review status: criteria provided, single submitter. Criteria: CeGaT Center For Human Genetics Tuebingen Variant Classification Criteria Version 2. Collection method: clinical testing. Allele origin: germline. Affected: yes. Observed: 1 variant allele.
Comment: B4GALNT1: PVS1, PM2

Labcorp Genetics (formerly Invitae), Labcorp
Classification: Likely pathogenic for Spastic paraplegia. Last evaluated: 2024-05-29. Review status: criteria provided, single submitter. Criteria: Invitae Variant Classification Sherloc (09022015). Collection method: clinical testing. Allele origin: germline.
Comment: This sequence change affects a donor splice site in intron 4 of the B4GALNT1 gene. It is expected to disrupt RNA splicing. Variants that disrupt the donor or acceptor splice site typically lead to a loss of protein function (PMID: 16199547), and loss-of-function variants in B4GALNT1 are known to be pathogenic (PMID: 23746551). This variant is present in population databases (rs377445018, gnomAD 0.0009%). This variant has not been reported in the literature in individuals affected with B4GALNT1-related conditions. ClinVar contains an entry for this variant (Variation ID: 426168). Algorithms developed to predict the effect of sequence changes on RNA splicing suggest that this variant may disrupt the consensus splice site. In summary, the currently available evidence indicates that the variant is pathogenic, but additional data are needed to prove that conclusively. Therefore, this variant has been classified as Likely Pathogenic.

GeneDx
Classification: Likely pathogenic. Last evaluated: 2017-04-28. Review status: criteria provided, single submitter. Criteria: GeneDx Variant Classification (06012015). Collection method: clinical testing. Allele origin: germline. Affected: yes.
Comment: The c.490+1G>A variant in the B4GALNT1 gene has not been reported previously as a pathogenic variant nor as a benign variant, to our knowledge. This splice site variant destroys the canonical splice donor site in intron 4. It is predicted to cause abnormal gene splicing, either leading to an abnormal message that is subject to nonsense-mediated mRNA decay, or to an abnormal protein product if the message is used for protein translation. The c.490+1G>A variant is not observed at a significant frequency in large population cohorts (Lek et al., 2016; 1000 Genomes Consortium et al., 2015; Exome Variant Server). We interpret c.490+1G>A as a likely pathogenic variant.

Literature cited by the submitters: PubMed 16199547 (cited by Labcorp Genetics (formerly Invitae), Labcorp); PubMed 23746551 (cited by Labcorp Genetics (formerly Invitae), Labcorp).

NM_001478.5(B4GALNT1):c.490+1G>A

Gene: B4GALNT1 (beta-1,4-N-acetyl-galactosaminyltransferase 1; minus strand). Cytogenetic location: 12q13.3.
Variant type: single nucleotide variant.
Coding change: c.490+1G>A on transcript NM_001478.5 (MANE Select); the canonical splice donor site of the intron after coding-DNA position 490, G replaced by A.
Molecular consequence: splice donor variant.
Genome position (GRCh38, 1-based): chr12:57,630,979, C>T on the plus strand (G>A on the coding strand, the complement: B4GALNT1 is on the minus strand). VCF-style: chr12-57630979-C-T. GRCh37 (hg19) VCF-style: chr12-58024762-C-T.
Other names: c.325+1G>A (NM_001413978.1, NM_001276468.2); c.-498+1G>A (NM_001413984.1, NM_001413982.1, NM_001413981.1 and 1 more transcripts); c.490+1G>A (NM_001413977.1, NM_001413970.1, NM_001413968.1 and 9 more transcripts).
Identifiers: ClinVar variation 426168 (VCV000426168.17), dbSNP rs377445018, ClinGen allele CA6655764.